The following is an entry in ClinVar:

ClinVar aggregate classification (germline): Uncertain significance. Review status: criteria provided, multiple submitters, no conflicts (2 of 4 stars). 6 submissions from 5 submitters: Uncertain significance (6). Last evaluated 2026-07-29.

Conditions:
USH2A-related disorder. Also called: USH2A-related condition; USH2A-related disorders. Identifiers: MedGen CN239332.
Retinitis pigmentosa 39 (RP39). Identifiers: Orphanet 791, MedGen C3151138, MONDO:0013436, OMIM 613809.
Usher syndrome type 2A. Also called: RETINAL DISEASE IN USHER SYNDROME TYPE IIA, MODIFIER OF; USHER SYNDROME, TYPE IIA. Identifiers: Orphanet 231178, Orphanet 886, MedGen C1848634, MONDO:0010169, OMIM 276901.

Allele frequency attached by ClinVar (database versions not stated): gnomAD 0.00001; gnomAD exomes 0.00002; TOPMed 0.00003; ExAC 0.00004.
gnomAD v4.1: 35 of 1,614,104 alleles (0.0022%); highest among the groups gnomAD compares: South Asian, 0.02%; no homozygotes.

Submissions (6):

PreventionGenetics, part of Exact Sciences
Classification: Uncertain significance for USH2A-related condition. Last evaluated: 2026-07-29. Review status: criteria provided, single submitter. Criteria: ACMG Guidelines, 2015. Collection method: clinical testing. Allele origin: germline.
Comment: The USH2A c.15373C>T variant is predicted to result in the amino acid substitution p.Arg5125Cys. This variant was reported together with second USH2A variant in an individual with Usher syndrome (US70, Table S5, Colombo et al. 2021. PubMed ID: 33576794). This variant is reported in 0.029% of alleles in individuals of Latino descent in gnomAD. At this time, the clinical significance of this variant is uncertain due to the absence of conclusive functional and genetic evidence.

GeneDx
Classification: Uncertain significance. Last evaluated: 2025-06-03. Review status: criteria provided, single submitter. Criteria: GeneDx Variant Classification Process June 2021. Collection method: clinical testing. Allele origin: germline. Affected: yes.
Comment: In silico analysis supports that this missense variant has a deleterious effect on protein structure/function; This variant is associated with the following publications: (PMID: 34781295, 33576794)

Labcorp Genetics (formerly Invitae), Labcorp
Classification: Uncertain significance. Last evaluated: 2024-12-02. Review status: criteria provided, single submitter. Criteria: Invitae Variant Classification Sherloc (09022015). Collection method: clinical testing. Allele origin: germline.
Comment: This sequence change replaces arginine, which is basic and polar, with cysteine, which is neutral and slightly polar, at codon 5125 of the USH2A protein (p.Arg5125Cys). This variant is present in population databases (rs771243585, gnomAD 0.03%). This missense change has been observed in individual(s) with Usher syndrome (PMID: 33576794). ClinVar contains an entry for this variant (Variation ID: 1712003). Invitae Evidence Modeling of protein sequence and biophysical properties (such as structural, functional, and spatial information, amino acid conservation, physicochemical variation, residue mobility, and thermodynamic stability) indicates that this missense variant is not expected to disrupt USH2A protein function with a negative predictive value of 95%. In summary, the available evidence is currently insufficient to determine the role of this variant in disease. Therefore, it has been classified as a Variant of Uncertain Significance.

Genome-Nilou Lab
Classification: Uncertain significance for Retinitis pigmentosa 39. Last evaluated: 2023-11-04. Review status: criteria provided, single submitter. Criteria: ACMG Guidelines, 2015. Collection method: clinical testing. Allele origin: germline. Affected: no.

Genome-Nilou Lab
Classification: Uncertain significance for Usher syndrome type 2A. Last evaluated: 2023-11-04. Review status: criteria provided, single submitter. Criteria: ACMG Guidelines, 2015. Collection method: clinical testing. Allele origin: germline. Affected: no.

Blueprint Genetics
Classification: Uncertain significance. Last evaluated: 2019-04-30. Review status: criteria provided, single submitter. Criteria: ACMG Guidelines, 2015. Collection method: clinical testing. Allele origin: germline.

Literature cited by the submitters: PubMed 33576794 (cited by Labcorp Genetics (formerly Invitae), Labcorp).

NM_206933.4(USH2A):c.15373C>T (p.Arg5125Cys)

Gene: USH2A (usherin; minus strand). Cytogenetic location: 1q41.
Variant type: single nucleotide variant.
Coding change: c.15373C>T on transcript NM_206933.4 (MANE Select); coding-DNA position 15373, C replaced by T.
Protein change: p.Arg5125Cys; replaces arginine 5125 with cysteine.
Molecular consequence: missense variant.
Genome position (GRCh38, 1-based): chr1:215,628,960, G>A on the plus strand (C>T on the coding strand, the complement: USH2A is on the minus strand). VCF-style: chr1-215628960-G-A. GRCh37 (hg19) VCF-style: chr1-215802302-G-A.
Other names: short protein forms R5125C.
Identifiers: ClinVar variation 1712003 (VCV001712003.8), dbSNP rs771243585, ClinGen allele CA1392689.